The following is an entry in ClinVar:

NM_052854.4(CREB3L1):c.859G>A (p.Glu287Lys)

Gene: CREB3L1 (cAMP responsive element binding protein 3 like 1; plus strand). Cytogenetic location: 11p11.2.
Variant type: single nucleotide variant.
Coding change: c.859G>A on transcript NM_052854.4 (MANE Select); coding-DNA position 859, G replaced by A.
Protein change: p.Glu287Lys; replaces glutamic acid 287 with lysine.
Molecular consequence: missense variant. On other transcripts: non-coding transcript variant (1).
Genome position (GRCh38, 1-based): chr11:46,312,430, G>A. VCF-style: chr11-46312430-G-A. GRCh37 (hg19) VCF-style: chr11-46333981-G-A.
Other names: c.859G>A, p.Glu287Lys (NM_001425266.1); c.853G>A, p.Glu285Lys (NM_001425267.1); c.721G>A, p.Glu241Lys (NM_001425268.1); c.595G>A, p.Glu199Lys (NM_001425269.1); short protein forms E241K, E199K, E285K, E287K.
Identifiers: ClinVar variation 4006734 (VCV004006734.2).

ClinVar aggregate classification (germline): Uncertain significance. Review status: criteria provided, multiple submitters, no conflicts (2 of 4 stars). 2 submissions from 2 submitters: Uncertain significance (2). Last evaluated 2025-09-09.

Conditions:
Inborn genetic diseases. Identifiers: MedGen C0950123, MeSH D030342.

gnomAD v4.1: 2 of 1,613,838 alleles (0.00012%); highest among the groups gnomAD compares: Non-Finnish European, 0.00017%; no homozygotes.

Submissions (2):

Labcorp Genetics (formerly Invitae), Labcorp
Classification: Uncertain significance. Last evaluated: 2025-09-09. Review status: criteria provided, single submitter. Criteria: Invitae Variant Classification Sherloc (09022015). Collection method: clinical testing. Allele origin: germline.
Comment: This sequence change replaces glutamic acid, which is acidic and polar, with lysine, which is basic and polar, at codon 287 of the CREB3L1 protein (p.Glu287Lys). This variant is not present in population databases (gnomAD no frequency). This variant has not been reported in the literature in individuals affected with CREB3L1-related conditions. ClinVar contains an entry for this variant (Variation ID: 4006734). An algorithm developed to predict the effect of missense changes on protein structure and function (PolyPhen-2) suggests that this variant is likely to be disruptive. In summary, the available evidence is currently insufficient to determine the role of this variant in disease. Therefore, it has been classified as a Variant of Uncertain Significance.

Ambry Genetics
Classification: Uncertain significance for Inborn genetic diseases. Last evaluated: 2025-05-14. Review status: criteria provided, single submitter. Criteria: Ambry Variant Classification Scheme 2023. Collection method: clinical testing. Allele origin: germline.